The following is an entry in ClinVar:

NM_013432.5(TONSL):c.1993C>T (p.Gln665Ter)

Genes: TONSL (tonsoku like, DNA repair protein; minus strand), TONSL-AS1 (TONSL antisense RNA 1; plus strand). Cytogenetic location: 8q24.3.
Variant type: single nucleotide variant.
Coding change: c.1993C>T on transcript NM_013432.5 (MANE Select); coding-DNA position 1993, C replaced by T.
Protein change: p.Gln665Ter; replaces glutamine 665 with a stop codon.
Molecular consequence: nonsense.
Genome position (GRCh38, 1-based): chr8:144,436,579, G>A on the plus strand (C>T on the coding strand, the complement: TONSL is on the minus strand). VCF-style: chr8-144436579-G-A. GRCh37 (hg19) VCF-style: chr8-145661962-G-A.
Other names: short protein forms Q665*.
Identifiers: ClinVar variation 5007288 (VCV005007288.2).

ClinVar aggregate classification (germline): Likely pathogenic (1 of 4 stars; one submission).

Conditions:
Sponastrime dysplasia. Also called: SPONDYLAR AND NASAL ALTERATIONS WITH STRIATED METAPHYSES. Identifiers: Orphanet 93357, MedGen C1300260, MONDO:0010068, OMIM 271510.

gnomAD v4.1: 1 of 1,611,122 alleles (0.000062%); highest among the groups gnomAD compares: Non-Finnish European, 0.000085%; no homozygotes.

Submission:

Juno Genomics, Hangzhou Juno Genomics, Inc
Classification: Likely pathogenic for Sponastrime dysplasia. Review status: criteria provided, single submitter. Criteria: ACMG Guidelines, 2015. Collection method: clinical testing. Allele origin: germline.
Comment: Null variant in a gene where loss of function (LOF) is a known mechanism of disease.;Absent from controls (or at extremely low frequency if recessive) in Genome Aggregation Database.